The following is an entry in ClinVar:

ClinVar aggregate classification (germline): Uncertain significance (1 of 4 stars; one submission).

Conditions:
Hereditary sensory and autonomic neuropathy type 1 (HSAN1). Also called: HSAN 1; HSN Type I; Hereditary Sensory Neuropathy Type I. Identifiers: Orphanet 36386, MedGen C0020071, MONDO:0018213.

Allele frequency attached by ClinVar (database versions not stated): gnomAD exomes below 0.00001.
gnomAD v4.1: 2 of 1,613,600 alleles (0.00012%); highest among the groups gnomAD compares: Non-Finnish European, 0.00017%; no homozygotes.

Submission:

Labcorp Genetics (formerly Invitae), Labcorp
Classification: Uncertain significance for Hereditary sensory and autonomic neuropathy type 1. Last evaluated: 2021-04-24. Review status: criteria provided, single submitter. Criteria: Invitae Variant Classification Sherloc (09022015). Collection method: clinical testing. Allele origin: germline.
Comment: This sequence change replaces aspartic acid with glycine at codon 143 of the SPTLC1 protein (p.Asp143Gly). The aspartic acid residue is highly conserved and there is a moderate physicochemical difference between aspartic acid and glycine. This variant is not present in population databases (ExAC no frequency). In summary, the available evidence is currently insufficient to determine the role of this variant in disease. Therefore, it has been classified as a Variant of Uncertain Significance. Algorithms developed to predict the effect of missense changes on protein structure and function are either unavailable or do not agree on the potential impact of this missense change (SIFT: "Deleterious"; PolyPhen-2: "Probably Damaging"; Align-GVGD: "Class C0"). This variant has not been reported in the literature in individuals with SPTLC1-related conditions.

NM_006415.4(SPTLC1):c.428A>G (p.Asp143Gly)

Gene: SPTLC1 (serine palmitoyltransferase long chain base subunit 1; minus strand). Cytogenetic location: 9q22.31.
Variant type: single nucleotide variant.
Coding change: c.428A>G on transcript NM_006415.4 (MANE Select); coding-DNA position 428, A replaced by G.
Protein change: p.Asp143Gly; replaces aspartic acid 143 with glycine.
Molecular consequence: missense variant. On other transcripts: 5 prime UTR variant (1).
Genome position (GRCh38, 1-based): chr9:92,068,098, T>C on the plus strand (A>G on the coding strand, the complement: SPTLC1 is on the minus strand). VCF-style: chr9-92068098-T-C. GRCh37 (hg19) VCF-style: chr9-94830380-T-C.
Other names: c.428A>G, p.Asp143Gly (NM_001281303.2); c.62A>G, p.Asp21Gly (NM_001368272.1); c.-38A>G (NM_001368273.1); short protein forms D143G, D21G.
Identifiers: ClinVar variation 1348570 (VCV001348570.8), dbSNP rs764072897, ClinGen allele CA373799073.